The following is an entry in ClinVar:

NM_005585.5(SMAD6):c.202C>T (p.Pro68Ser)

Gene: SMAD6 (SMAD family member 6; plus strand). Cytogenetic location: 15q22.31.
Variant type: single nucleotide variant.
Coding change: c.202C>T on transcript NM_005585.5 (MANE Select); coding-DNA position 202, C replaced by T.
Protein change: p.Pro68Ser; replaces proline 68 with serine.
Molecular consequence: missense variant. On other transcripts: non-coding transcript variant (1).
Genome position (GRCh38, 1-based): chr15:66,703,460, C>T. VCF-style: chr15-66703460-C-T. GRCh37 (hg19) VCF-style: chr15-66995798-C-T.
Other names: c.202C>T (NM_005585.4); short protein forms P68S.
Identifiers: ClinVar variation 1410601 (VCV001410601.9), dbSNP rs1235974469, ClinGen allele CA392948894.
Genomic context (GRCh38, chr15:66,703,460, plus strand): 5'-CGGGCAAGAGAGGGCGGAGGCTGCGGCCGCTCCGAAGTCCGCCCGGTAGCCCCGCGGCGG[C>T]CCCGGGACGCAGTGGGACAGCGAGGCGCCCAGGGCGCGGGGAGGCGCCGGCGCGCAGGGG-3'
Protein context (NP_005576.3, residues 58-78): SEVRPVAPRR[Pro68Ser]RDAVGQRGAQ

ClinVar aggregate classification (germline): Uncertain significance. Review status: criteria provided, multiple submitters, no conflicts (2 of 4 stars). 2 submissions from 2 submitters: Uncertain significance (2). Last evaluated 2025-03-19.

Conditions:
Inborn genetic diseases. Identifiers: MedGen C0950123, MeSH D030342.
Aortic valve disease 2 (AOVD2). Identifiers: MedGen C3542024, MONDO:0013902, OMIM 614823.

Allele frequency attached by ClinVar (database versions not stated): gnomAD 0.00001.

Submissions (2):

Labcorp Genetics (formerly Invitae), Labcorp
Classification: Uncertain significance for Aortic valve disease 2. Last evaluated: 2025-03-19. Review status: criteria provided, single submitter. Criteria: Invitae Variant Classification Sherloc (09022015). Collection method: clinical testing. Allele origin: germline.
Comment: This sequence change replaces proline, which is neutral and non-polar, with serine, which is neutral and polar, at codon 68 of the SMAD6 protein (p.Pro68Ser). This variant is not present in population databases (gnomAD no frequency). This variant has not been reported in the literature in individuals affected with SMAD6-related conditions. ClinVar contains an entry for this variant (Variation ID: 1410601). An algorithm developed to predict the effect of missense changes on protein structure and function (PolyPhen-2) suggests that this variant is likely to be tolerated. In summary, the available evidence is currently insufficient to determine the role of this variant in disease. Therefore, it has been classified as a Variant of Uncertain Significance.

Ambry Genetics
Classification: Uncertain significance for Inborn genetic diseases. Last evaluated: 2024-12-29. Review status: criteria provided, single submitter. Criteria: Ambry Variant Classification Scheme 2023. Collection method: clinical testing. Allele origin: germline.
Comment: The p.P68S variant (also known as c.202C>T), located in coding exon 1 of the SMAD6 gene, results from a C to T substitution at nucleotide position 202. The proline at codon 68 is replaced by serine, an amino acid with similar properties. This amino acid position is conserved. In addition, this alteration is predicted to be tolerated by in silico analysis. Based on the available evidence, the clinical significance of this variant remains unclear.